The following is an entry in ClinVar:

NM_000548.5(TSC2):c.5160+1G>A

Gene: TSC2 (TSC complex subunit 2; plus strand). Cytogenetic location: 16p13.3.
Variant type: single nucleotide variant.
Coding change: c.5160+1G>A on transcript NM_000548.5 (MANE Select); the canonical splice donor site of the intron after coding-DNA position 5160, G replaced by A.
Molecular consequence: splice donor variant.
Genome position (GRCh38, 1-based): chr16:2,088,140, G>A. VCF-style: chr16-2088140-G-A. GRCh37 (hg19) VCF-style: chr16-2138141-G-A.
Other names: c.3618+1G>A (NM_001406693.1, NM_001406692.1, NM_001406694.1); c.5052+1G>A (NM_001406667.1); c.5049+1G>A (NM_001406668.1); c.4560+1G>A (NM_001406680.1); c.4491+1G>A (NM_001406683.1, NM_001406682.1); c.4359+1G>A (NM_001406687.1, NM_001406688.1); c.3747+1G>A (NM_001406689.1); c.3687+1G>A (NM_001406690.1); and 26 more.
Identifiers: ClinVar variation 49425 (VCV000049425.14), dbSNP rs45517399, ClinGen allele CA021915.

ClinVar aggregate classification (germline): Pathogenic. Review status: criteria provided, multiple submitters, no conflicts (2 of 4 stars). 7 submissions from 7 submitters: Pathogenic (6). 1 of the submissions does not count toward it. Last evaluated 2025-10-26.

Conditions:
Tuberous sclerosis syndrome (TSC). Also called: Tuberous Sclerosis Complex; Tuberous sclerosis. Identifiers: Orphanet 805, MedGen C0041341, MONDO:0001734.
Tuberous sclerosis 2 (TSC2). Identifiers: Orphanet 805, MedGen C1860707, MONDO:0013199, OMIM 613254.
Lymphangiomyomatosis (LAM). Also called: Lymphangioleiomyomatosis; Lymphangioleiomyomatosis, somatic. Identifiers: Orphanet 538, MedGen C0751674, MONDO:0011705, OMIM 606690.
Isolated focal cortical dysplasia type II (FCORD2). Also called: CORTICAL DYSPLASIA OF TAYLOR; Focal cortical dysplasia type II. Identifiers: Orphanet 268994, MedGen C1846385, MONDO:0011818, OMIM 607341, HP:0032051.

Submissions (7):

Labcorp Genetics (formerly Invitae), Labcorp
Classification: Pathogenic for Tuberous sclerosis 2. Last evaluated: 2025-10-26. Review status: criteria provided, single submitter. Criteria: Invitae Variant Classification Sherloc (09022015). Collection method: clinical testing. Allele origin: germline.
Comment: This sequence change affects a donor splice site in intron 40 of the TSC2 gene. It is expected to disrupt RNA splicing. Variants that disrupt the donor or acceptor splice site typically lead to a loss of protein function (PMID: 16199547), and loss-of-function variants in TSC2 are known to be pathogenic (PMID: 10205261, 17304050). This variant is not present in population databases (gnomAD no frequency). Disruption of this splice site has been observed in individuals with tuberous sclerosis complex (PMID: 11112665, 27859028, 39596632). ClinVar contains an entry for this variant (Variation ID: 49425). Algorithms developed to predict the effect of sequence changes on RNA splicing suggest that this variant may disrupt the consensus splice site. For these reasons, this variant has been classified as Pathogenic.

NHS Central & South Genomic Laboratory Hub
Classification: Pathogenic for Tuberous sclerosis. Last evaluated: 2025-10-21. Review status: criteria provided, single submitter. Criteria: ACMG Guidelines, 2015. Collection method: clinical testing. Allele origin: germline. Affected: yes.

Genome-Nilou Lab
Classification: Pathogenic for Tuberous sclerosis 2. Last evaluated: 2021-11-07. Review status: criteria provided, single submitter. Criteria: ACMG Guidelines, 2015. Collection method: clinical testing. Allele origin: germline. Affected: no.

Fulgent Genetics
Classification: Pathogenic for Lymphangiomyomatosis; Isolated focal cortical dysplasia type II; Tuberous sclerosis 2. Last evaluated: 2021-10-13. Review status: criteria provided, single submitter. Criteria: ACMG Guidelines, 2015. Collection method: clinical testing. Allele origin: unknown.

GeneDx
Classification: Pathogenic. Last evaluated: 2019-02-25. Review status: criteria provided, single submitter. Criteria: GeneDx Variant Classification Process June 2021. Collection method: clinical testing. Allele origin: germline. Affected: yes.
Comment: Canonical splice site variant in a gene for which loss-of-function is a known mechanism of disease; Not observed in large population cohorts (Lek et al., 2016); This variant is associated with the following publications: (PMID: 15798777, 25525159, 11112665)

Athena Diagnostics
Classification: Pathogenic for Tuberous sclerosis 2. Last evaluated: 2012-09-29. Review status: criteria provided, single submitter. Criteria: Athena Diagnostics Criteria. Collection method: clinical testing. Allele origin: germline. Inheritance: Autosomal dominant inheritance.

Tuberous sclerosis database (TSC2)
No classification provided. Condition: TSC. Review status: no classification provided. Criteria: Tuberous Sclerosis Database Assertion Criteria 2015. Collection method: curation. Allele origin: germline. Affected: yes. Not counted in ClinVar's aggregate classification.

Literature cited by the submitters: PubMed 16199547 (cited by Labcorp Genetics (formerly Invitae), Labcorp); PubMed 10205261 (cited by Labcorp Genetics (formerly Invitae), Labcorp); PubMed 17304050 (cited by Labcorp Genetics (formerly Invitae), Labcorp); PubMed 11112665 (cited by Labcorp Genetics (formerly Invitae), Labcorp and Athena Diagnostics); PubMed 27859028 (cited by Labcorp Genetics (formerly Invitae), Labcorp); PubMed 39596632 (cited by Labcorp Genetics (formerly Invitae), Labcorp).